The following is an entry in ClinVar:

ClinVar aggregate classification (germline): Pathogenic/Likely pathogenic. Review status: criteria provided, multiple submitters, no conflicts (2 of 4 stars). 8 submissions from 8 submitters: Pathogenic (5); Likely pathogenic (2). 1 of the submissions does not count toward it. Last evaluated 2025-11-07.

Conditions:
Severe combined immunodeficiency, autosomal recessive, T cell-negative, B cell-negative, NK cell-positive. Also called: SCID, AR, T-cell negative, B-cell negative, NK cell-positive; SCID, T CELL-NEGATIVE, B CELL-NEGATIVE, NK CELL-POSITIVE; Severe combined immunodeficiency due to complete RAG1/2 deficiency. Identifiers: Orphanet 331206, MedGen C1832322, MONDO:0011086, OMIM 601457.
Histiocytic medullary reticulosis. Also called: SEVERE COMBINED IMMUNODEFICIENCY WITH HYPEREOSINOPHILIA; Omenn syndrome. Identifiers: Orphanet 39041, MedGen C2700553, MONDO:0011338, OMIM 603554.
Combined immunodeficiency with skin granulomas. Identifiers: Orphanet 157949, MedGen C2673536, MONDO:0009306, OMIM 233650.
Combined immunodeficiency due to partial RAG1 deficiency. Identifiers: Orphanet 231154, MedGen C1835931, MONDO:0012359, OMIM 609889.
Severe combined immunodeficiency disease. Also called: Severe combined immunodeficiency; Severe Combined Immune Deficiency. Identifiers: Orphanet 183660, MedGen C0085110, MeSH D016511, MONDO:0015974, HP:0004430. Inheritance: X-Linked or Autosomal recessive.
Severe combined immunodeficiency, B cell-negative. Identifiers: MedGen C1867362.

Allele frequency attached by ClinVar (database versions not stated): gnomAD exomes below 0.00001; gnomAD 0.00001; TOPMed 0.00001.
gnomAD v4.1: 7 of 1,614,036 alleles (0.00043%); highest among the groups gnomAD compares: East Asian, 0.0022%; no homozygotes.

Submissions (8):

Clinical Immunology, Karolinska University Hospital
Classification: Likely pathogenic for Severe combined immunodeficiency, autosomal recessive, T cell-negative, B cell-negative, NK cell-positive. Last evaluated: 2025-11-07. Review status: criteria provided, single submitter. Criteria: ACMG Guidelines, 2015. Collection method: clinical testing. Allele origin: germline. Inheritance: Autosomal recessive inheritance. Affected: yes.
Comment: Likely pathogenic (score 9): PM1_supp, PM2_suppPM3_supp, PP4_mod.

Dasa
Classification: Pathogenic. Last evaluated: 2025-08-28. Review status: criteria provided, single submitter. Criteria: DASA Assertion Criteria. Collection method: clinical testing. Allele origin: germline.
Comment: NM_000448.3(RAG1):c.2326C>T (p.Arg776Trp) is a missense variant that results in the substitution of arginine with tryptophan. The affected residue or protein region has prior evidence supporting clinical relevance. Segregation evidence has been reported in affected families. This variant has been observed in affected individuals with related phenotype in a genotype context consistent with recessive disease (PMID: 22424479; PMID: 33628209; PMID: 18701881; PMID: 37724703). Functional evidence supports a deleterious effect on the gene or gene product (PMID: 22424479; PMID: 33628209; PMID: 18701881; PMID: 37724703). This variant has been recurrently observed in individuals with related phenotype (PMID: 22424479; PMID: 33628209; PMID: 18701881; PMID: 37724703). Multiple computational predictions support a deleterious effect on the gene or gene product. The variant is present at low frequency in population datasets. Based on the available data, this variant is classified as pathogenic.

Revvity Omics, Revvity
Classification: Likely pathogenic. Last evaluated: 2025-04-22. Review status: criteria provided, single submitter. Criteria: ACMG Guidelines, 2015. Collection method: clinical testing. Allele origin: germline.

Fulgent Genetics
Classification: Pathogenic for Combined immunodeficiency with skin granulomas; Severe combined immunodeficiency, autosomal recessive, T cell-negative, B cell-negative, NK cell-positive; Histiocytic medullary reticulosis; Combined immunodeficiency due to partial RAG1 deficiency. Last evaluated: 2024-06-01. Review status: criteria provided, single submitter. Criteria: ACMG Guidelines, 2015. Collection method: clinical testing. Allele origin: germline.

Women's Health and Genetics/Laboratory Corporation of America, LabCorp
Classification: Pathogenic for Severe combined immunodeficiency disease. Last evaluated: 2024-05-30. Review status: criteria provided, single submitter. Criteria: LabCorp Variant Classification Summary - May 2015. Collection method: clinical testing. Allele origin: germline.
Comment: Variant summary: RAG1 c.2326C>T (p.Arg776Trp) results in a non-conservative amino acid change in the encoded protein sequence. Five of five in-silico tools predict a damaging effect of the variant on protein function. The variant allele was found at a frequency of 4e-06 in 251212 control chromosomes. c.2326C>T has been reported in the literature in the homozygous and presumed compound heterozygous states in multiple individuals affected with Severe Combined Immunodeficiency and/or Omenn syndrome (example, Firtina_2020, Karaatmaca_2024, Suratannon_2020, Xiao_2009). These data indicate that the variant is very likely to be associated with disease. The following publications have been ascertained in the context of this evaluation (PMID: 32445296, 37724703, 32373116, 18701881). ClinVar contains an entry for this variant (Variation ID: 13161). Based on the evidence outlined above, the variant was classified as pathogenic.

Baylor Genetics
Classification: Pathogenic for Combined immunodeficiency due to partial RAG1 deficiency. Last evaluated: 2023-02-25. Review status: criteria provided, single submitter. Criteria: ACMG Guidelines, 2015. Collection method: clinical testing. Allele origin: unknown.

Labcorp Genetics (formerly Invitae), Labcorp
Classification: Pathogenic for Combined immunodeficiency with skin granulomas; Severe combined immunodeficiency, autosomal recessive, T cell-negative, B cell-negative, NK cell-positive. Last evaluated: 2022-08-23. Review status: criteria provided, single submitter. Criteria: Invitae Variant Classification Sherloc (09022015). Collection method: clinical testing. Allele origin: germline.
Comment: Experimental studies have shown that this missense change affects RAG1 function (PMID: 18701881). This variant disrupts the p.Arg776 amino acid residue in RAG1. Other variant(s) that disrupt this residue have been observed in individuals with RAG1-related conditions (PMID: 17572155, 19458910), which suggests that this may be a clinically significant amino acid residue. For these reasons, this variant has been classified as Pathogenic. Advanced modeling of protein sequence and biophysical properties (such as structural, functional, and spatial information, amino acid conservation, physicochemical variation, residue mobility, and thermodynamic stability) performed at Invitae indicates that this missense variant is expected to disrupt RAG1 protein function. This sequence change replaces arginine, which is basic and polar, with tryptophan, which is neutral and slightly polar, at codon 776 of the RAG1 protein (p.Arg776Trp). This variant is present in population databases (rs121918572, gnomAD 0.0009%). This missense change has been observed in individuals with severe combined immunodeficiency (SCID) (PMID: 18701881, 32445296). It has also been observed to segregate with disease in related individuals. This variant is also known as C2438T. ClinVar contains an entry for this variant (Variation ID: 13161).

OMIM
Classification: Pathogenic for SEVERE COMBINED IMMUNODEFICIENCY, B CELL-NEGATIVE. Last evaluated: 2009-02-01. Review status: no assertion criteria provided. Collection method: literature only. Allele origin: germline. Not counted in ClinVar's aggregate classification.

Literature cited by the submitters: PubMed 22424479 (cited by Dasa); PubMed 33628209 (cited by Dasa); PubMed 18701881 (cited by 4 submitters); PubMed 37724703 (cited by Dasa and Women's Health and Genetics/Laboratory Corporation of America, LabCorp); PubMed 32373116 (cited by Women's Health and Genetics/Laboratory Corporation of America, LabCorp); PubMed 32445296 (cited by Women's Health and Genetics/Laboratory Corporation of America, LabCorp and Labcorp Genetics (formerly Invitae), Labcorp); PubMed 17572155 (cited by Labcorp Genetics (formerly Invitae), Labcorp); PubMed 19458910 (cited by Labcorp Genetics (formerly Invitae), Labcorp).

NM_000448.3(RAG1):c.2326C>T (p.Arg776Trp)

Gene: RAG1 (recombination activating 1; plus strand). Cytogenetic location: 11p12.
Variant type: single nucleotide variant.
Coding change: c.2326C>T on transcript NM_000448.3 (MANE Select); coding-DNA position 2326, C replaced by T.
Protein change: p.Arg776Trp; replaces arginine 776 with tryptophan.
Molecular consequence: missense variant.
Genome position (GRCh38, 1-based): chr11:36,575,630, C>T. VCF-style: chr11-36575630-C-T. GRCh37 (hg19) VCF-style: chr11-36597180-C-T.
Other names: c.2326C>T, p.Arg776Trp (NM_001377277.1, NM_001377278.1, NM_001377279.1 and 1 more transcripts); short protein forms R776W.
Identifiers: ClinVar variation 13161 (VCV000013161.17), dbSNP rs121918572, ClinGen allele CA122925.
Genomic context (GRCh38, chr11:36,575,630, plus strand): 5'-AACCTGGAACGTTATGAGGTCTGGCGTTCCAACCCTTACCATGAGTCTGTGGAAGAACTG[C>T]GGGATCGGGTGAAAGGGGTCTCAGCTAAACCTTTCATTGAGACAGTCCCTTCCATAGATG-3'
Protein context (NP_000439.2, residues 766-786): NPYHESVEEL[Arg776Trp]DRVKGVSAKP